The following is an entry in ClinVar:

NM_001903.5(CTNNA1):c.2433+3A>G

Gene: CTNNA1 (catenin alpha 1; plus strand). Cytogenetic location: 5q31.2.
Variant type: single nucleotide variant.
Coding change: c.2433+3A>G on transcript NM_001903.5 (MANE Select); 3 bases into the intron after coding-DNA position 2433, A replaced by G.
Molecular consequence: intron variant.
Genome position (GRCh38, 1-based): chr5:138,932,715, A>G. VCF-style: chr5-138932715-A-G. GRCh37 (hg19) VCF-style: chr5-138268404-A-G.
Other names: c.2124+3A>G (NM_001290309.3); c.2433+3A>G (NM_001323983.1, NM_001323982.2, NM_001323984.2 and 3 more transcripts); c.1323+3A>G (NM_001323996.1, NM_001323993.1, NM_001324005.1 and 16 more transcripts); c.984+3A>G (NM_001324007.1, NM_001324009.1, NM_001324006.1 and 2 more transcripts); c.1080+3A>G (NM_001324013.1, NM_001324012.1); c.1189-1087A>G (NM_001324001.1); c.1230+3A>G (NM_001324011.1); c.2340+3A>G (NM_001323986.2); and 1 more.
Identifiers: ClinVar variation 1003243 (VCV001003243.7), dbSNP rs1765632413, ClinGen allele CA1586089923.

ClinVar aggregate classification (germline): Uncertain significance. Review status: criteria provided, multiple submitters, no conflicts (2 of 4 stars). 2 submissions from 2 submitters: Uncertain significance (2). Last evaluated 2025-12-19.

Conditions:
Hereditary cancer-predisposing syndrome. Also called: Hereditary Cancer Syndrome; Neoplastic Syndromes, Hereditary; Tumor predisposition; Hereditary neoplastic syndrome. Identifiers: Orphanet 140162, MedGen C0027672, MeSH D009386, MONDO:0015356.

Submissions (2):

Ambry Genetics
Classification: Uncertain significance for Hereditary cancer-predisposing syndrome. Last evaluated: 2025-12-19. Review status: criteria provided, single submitter. Criteria: Ambry Variant Classification Scheme 2023. Collection method: clinical testing. Allele origin: germline.
Comment: The c.2433+3A>G intronic variant results from an A to G substitution 3 nucleotides after coding exon 16 in the CTNNA1 gene. This nucleotide position is not well conserved in available vertebrate species. In silico splice site analysis for this alteration is inconclusive. Based on the available evidence, the clinical significance of this variant remains unclear.

Labcorp Genetics (formerly Invitae), Labcorp
Classification: Uncertain significance. Last evaluated: 2022-09-01. Review status: criteria provided, single submitter. Criteria: Invitae Variant Classification Sherloc (09022015). Collection method: clinical testing. Allele origin: germline.
Comment: In summary, the available evidence is currently insufficient to determine the role of this variant in disease. Therefore, it has been classified as a Variant of Uncertain Significance. Variants that disrupt the consensus splice site are a relatively common cause of aberrant splicing (PMID: 17576681, 9536098). Algorithms developed to predict the effect of sequence changes on RNA splicing suggest that this variant is not likely to affect RNA splicing. ClinVar contains an entry for this variant (Variation ID: 1003243). This variant has not been reported in the literature in individuals affected with CTNNA1-related conditions. This variant is not present in population databases (gnomAD no frequency). This sequence change falls in intron 17 of the CTNNA1 gene. It does not directly change the encoded amino acid sequence of the CTNNA1 protein. It affects a nucleotide within the consensus splice site.

Literature cited by the submitters: PubMed 17576681 (cited by Labcorp Genetics (formerly Invitae), Labcorp); PubMed 9536098 (cited by Labcorp Genetics (formerly Invitae), Labcorp).